The following is an entry in ClinVar:

ClinVar aggregate classification (germline): Likely benign. Review status: criteria provided, multiple submitters, no conflicts (2 of 4 stars). 2 submissions from 2 submitters: Likely benign (2). Last evaluated 2025-05-06.

Conditions:
Evans syndrome, immunodeficiency, and premature immunosenescence associated with tripeptidyl-peptidase II deficiency. Identifiers: MedGen CN231723. Disease mechanism: loss of function.

Allele frequency attached by ClinVar (database versions not stated): gnomAD exomes below 0.00001; ExAC 0.00001.

Submissions (2):

Mayo Clinic Laboratories, Mayo Clinic
Classification: Likely benign. Last evaluated: 2025-05-06. Review status: criteria provided, single submitter. Criteria: ACMG Guidelines, 2015. Collection method: clinical testing. Allele origin: germline. Observed: 1 variant allele.
Comment: BP4, BP7, PM2_supporting

Labcorp Genetics (formerly Invitae), Labcorp
Classification: Likely benign for Evans syndrome, immunodeficiency, and premature immunosenescence associated with tripeptidyl-peptidase II deficiency. Last evaluated: 2022-01-13. Review status: criteria provided, single submitter. Criteria: Invitae Variant Classification Sherloc (09022015). Collection method: clinical testing. Allele origin: germline.

NM_001330588.2(TPP2):c.792T>C (p.His264=)

Gene: TPP2 (tripeptidyl peptidase 2; plus strand). Cytogenetic location: 13q33.1.
Variant type: single nucleotide variant.
Coding change: c.792T>C on transcript NM_001330588.2 (MANE Select); coding-DNA position 792, T replaced by C.
Protein change: p.His264=; no amino-acid change (histidine 264 retained).
Molecular consequence: synonymous variant. On other transcripts: non-coding transcript variant (1).
Genome position (GRCh38, 1-based): chr13:102,627,019, T>C. VCF-style: chr13-102627019-T-C. GRCh37 (hg19) VCF-style: chr13-103279369-T-C.
Other names: p.His264=; c.792T>C, p.His264= (NM_001367947.1, NM_003291.4).
Identifiers: ClinVar variation 2183979 (VCV002183979.5), dbSNP rs778658686, ClinGen allele CA7037602.